The following is an entry in ClinVar:

NM_001204.7(BMPR2):c.2300A>G (p.Lys767Arg)

Gene: BMPR2 (bone morphogenetic protein receptor type 2; plus strand). Cytogenetic location: 2q33.2.
Variant type: single nucleotide variant.
Coding change: c.2300A>G on transcript NM_001204.7 (MANE Select); coding-DNA position 2300, A replaced by G.
Protein change: p.Lys767Arg; replaces lysine 767 with arginine.
Molecular consequence: missense variant.
Genome position (GRCh38, 1-based): chr2:202,555,965, A>G. VCF-style: chr2-202555965-A-G. GRCh37 (hg19) VCF-style: chr2-203420688-A-G.
Other names: short protein forms K767R.
Identifiers: ClinVar variation 3824806 (VCV003824806.1).

ClinVar aggregate classification (germline): Uncertain significance (1 of 4 stars; one submission).

Conditions:
Inborn genetic diseases. Identifiers: MedGen C0950123, MeSH D030342.

Submission:

Ambry Genetics
Classification: Uncertain significance for Inborn genetic diseases. Last evaluated: 2025-01-03. Review status: criteria provided, single submitter. Criteria: Ambry Variant Classification Scheme 2023. Collection method: clinical testing. Allele origin: germline.
Comment: The p.K767R variant (also known as c.2300A>G), located in coding exon 12 of the BMPR2 gene, results from an A to G substitution at nucleotide position 2300. The lysine at codon 767 is replaced by arginine, an amino acid with highly similar properties. This amino acid position is conserved. In addition, the in silico prediction for this alteration is inconclusive. Based on the available evidence, the clinical significance of this variant remains unclear.